The following is an entry in ClinVar:

ClinVar aggregate classification (germline): Pathogenic (1 of 4 stars; one submission).

Conditions:
Familial adenomatous polyposis 1 (FAP1). Also called: POLYPOSIS, ADENOMATOUS INTESTINAL; FAMILIAL ADENOMATOUS POLYPOSIS 1, ATTENUATED. Identifiers: MedGen C2713442, MONDO:0021056, OMIM 175100. Disease mechanism: loss of function.

Submission:

Labcorp Genetics (formerly Invitae), Labcorp
Classification: Pathogenic for Familial adenomatous polyposis 1. Last evaluated: 2017-02-02. Review status: criteria provided, single submitter. Criteria: Invitae Variant Classification Sherloc (09022015). Collection method: clinical testing. Allele origin: germline.
Comment: For these reasons, this variant has been classified as Pathogenic. While this particular variant has not been reported in the literature, loss-of-function variants in APC are known to be pathogenic (PMID: 20685668, 17963004). This sequence change creates a premature translational stop signal at codon 316 (p.Tyr316*) of the APC gene. It is expected to result in an absent or disrupted protein product.

Literature cited by the submitters: PubMed 20685668; PubMed 17963004.

NM_000038.6(APC):c.948T>G (p.Tyr316Ter)

Gene: APC (APC regulator of Wnt signaling pathway; plus strand). Cytogenetic location: 5q22.2.
Variant type: single nucleotide variant.
Coding change: c.948T>G on transcript NM_000038.6 (MANE Select); coding-DNA position 948, T replaced by G.
Protein change: p.Tyr316Ter; replaces tyrosine 316 with a stop codon.
Molecular consequence: nonsense. On other transcripts: intron variant (4).
Genome position (GRCh38, 1-based): chr5:112,818,980, T>G. VCF-style: chr5-112818980-T-G. GRCh37 (hg19) VCF-style: chr5-112154677-T-G.
Other names: c.948T>G, p.Tyr316Ter (NM_001127510.3, NM_001354895.2, NM_001354896.2); c.894T>G, p.Tyr298Ter (NM_001127511.3); c.978T>G, p.Tyr326Ter (NM_001354897.2); c.873T>G, p.Tyr291Ter (NM_001354898.2); c.864T>G, p.Tyr288Ter (NM_001354899.2); c.771T>G, p.Tyr257Ter (NM_001354900.2, NM_001354901.2); c.99T>G, p.Tyr33Ter (NM_001354906.2); c.964-289T>G (NM_001354902.2); and 3 more; short protein forms Y298*, Y316*, Y33*, Y291*, Y257*, Y288*, Y326*.
Identifiers: ClinVar variation 470156 (VCV000470156.10), dbSNP rs748010172, ClinGen allele CA16023385.
Genomic context (GRCh38, chr5:112,818,980, plus strand): 5'-GGATATTAAAGTCGTAATTTTGTTTCTAAACTCATTTGGCCCACAGGTGGAAATGGTGTA[T>G]TCATTGTTGTCAATGCTTGGTACTCATGATAAGGATGATATGTCGCGAACTTTGCTAGCT-3'